The following is an entry in ClinVar:

NM_001170700.3(DTHD1):c.257G>A (p.Cys86Tyr)

Gene: DTHD1 (death domain containing 1; plus strand). Cytogenetic location: 4p14.
Variant type: single nucleotide variant.
Coding change: c.257G>A on transcript NM_001170700.3 (MANE Select); coding-DNA position 257, G replaced by A.
Protein change: p.Cys86Tyr; replaces cysteine 86 with tyrosine.
Molecular consequence: missense variant. On other transcripts: initiator codon variant (2), non-coding transcript variant (2).
Genome position (GRCh38, 1-based): chr4:36,282,015, G>A. VCF-style: chr4-36282015-G-A. GRCh37 (hg19) VCF-style: chr4-36283637-G-A.
Other names: c.3G>A, p.Met1Ile (NM_001136536.5, NM_001378435.1); short protein forms C86Y, M1I.
Identifiers: ClinVar variation 2002550 (VCV002002550.5), dbSNP rs1755428808, ClinGen allele CA356677049.

ClinVar aggregate classification (germline): Uncertain significance (1 of 4 stars; one submission).

Allele frequency attached by ClinVar (database versions not stated): gnomAD exomes below 0.00001.
gnomAD v4.1: 2 of 1,524,818 alleles (0.00013%); highest among the groups gnomAD compares: East Asian, 0.005%; no homozygotes.

Submission:

Labcorp Genetics (formerly Invitae), Labcorp
Classification: Uncertain significance. Last evaluated: 2022-09-06. Review status: criteria provided, single submitter. Criteria: Invitae Variant Classification Sherloc (09022015). Collection method: clinical testing. Allele origin: germline.
Comment: This sequence change affects the initiator methionine of the DTHD1 mRNA. The next in-frame methionine is located at codon 41. This variant is not present in population databases (gnomAD no frequency). Disruption of the initiator codon has been observed in individual(s) with Leber congenital amaurosis (PMID: 23105016). Experimental studies and prediction algorithms are not available or were not evaluated, and the functional significance of this variant is currently unknown. In summary, the available evidence is currently insufficient to determine the role of this variant in disease. Therefore, it has been classified as a Variant of Uncertain Significance.

Literature cited by the submitters: PubMed 23105016.